The following is an entry in ClinVar:

ClinVar aggregate classification (germline): Uncertain significance (1 of 4 stars; one submission).

Submission:

GeneDx
Classification: Uncertain significance. Last evaluated: 2023-04-11. Review status: criteria provided, single submitter. Criteria: GeneDx Variant Classification Process June 2021. Collection method: clinical testing. Allele origin: germline. Affected: yes.
Comment: Not observed at significant frequency in large population cohorts (gnomAD); In silico analysis supports a deleterious effect on splicing; Has not been previously published as pathogenic or benign to our knowledge

NM_176787.5(PIGN):c.1675-4C>G

Gene: PIGN (phosphatidylinositol glycan anchor biosynthesis class N; minus strand). Cytogenetic location: 18q21.33.
Variant type: single nucleotide variant.
Coding change: c.1675-4C>G on transcript NM_176787.5 (MANE Select); 4 bases into the intron before coding-DNA position 1675, C replaced by G.
Molecular consequence: intron variant.
Genome position (GRCh38, 1-based): chr18:62,106,885, G>C on the plus strand (C>G on the coding strand, the complement: PIGN is on the minus strand). VCF-style: chr18-62106885-G-C. GRCh37 (hg19) VCF-style: chr18-59774118-G-C.
Other names: c.1675-4C>G (NM_012327.6).
Identifiers: ClinVar variation 2662551 (VCV002662551.1), dbSNP rs2512960147, ClinGen allele CA2695198101.
Genomic context (GRCh38, chr18:62,106,885, plus strand): 5'-AGCTGCAAAGGCAGTAAGTCCAGCGGTAAGCATATAGCGGTAGAAAAAACTGAGAACCTA[G>C]TAATGCATTCCAAAGAAGGAATGAAAAATAAGGTCATTTAATACTAGTTACAAATATATA-3'